The following is an entry in ClinVar:

NM_001160372.4(TRAPPC9):c.1373C>T (p.Ala458Val)

Gene: TRAPPC9 (trafficking protein particle complex subunit 9; minus strand). Cytogenetic location: 8q24.3.
Variant type: single nucleotide variant.
Coding change: c.1373C>T on transcript NM_001160372.4 (MANE Select); coding-DNA position 1373, C replaced by T.
Protein change: p.Ala458Val; replaces alanine 458 with valine.
Molecular consequence: missense variant. On other transcripts: non-coding transcript variant (1), intron variant (1).
Genome position (GRCh38, 1-based): chr8:140,360,172, G>A on the plus strand (C>T on the coding strand, the complement: TRAPPC9 is on the minus strand). VCF-style: chr8-140360172-G-A. GRCh37 (hg19) VCF-style: chr8-141370271-G-A.
Other names: c.1346C>T, p.Ala449Val (NM_001321646.2); c.1394C>T, p.Ala465Val (NM_001374682.1); c.1373C>T, p.Ala458Val (NM_001374683.1, NM_031466.8); c.1351+10792C>T (NM_001374684.1); short protein forms A449V, A458V, A465V.
Identifiers: ClinVar variation 3572437 (VCV003572437.1).
Genomic context (GRCh38, chr8:140,360,172, plus strand): 5'-GCAGGGTTCCCCATCCTTCGGGAGGCGTAGACCAATTCATGGAGCAAACGCATCTGGACC[G>A]CAGCCCAGCCTCTGTGCGTGCCTGCGATGGAAGTTACAAAACATCACAAAAGTGCTTGGA-3'
Protein context (NP_001153844.1, residues 448-468): FSRGTHRGWA[Ala458Val]VQMRLLHELV

ClinVar aggregate classification (germline): Uncertain significance (1 of 4 stars; one submission).

Submission:

GeneDx
Classification: Uncertain significance. Last evaluated: 2024-07-12. Review status: criteria provided, single submitter. Criteria: GeneDx Variant Classification Process June 2021. Collection method: clinical testing. Allele origin: germline. Affected: yes.
Comment: Not observed at significant frequency in large population cohorts (gnomAD); In silico analysis indicates that this missense variant does not alter protein structure/function; Has not been previously published as pathogenic or benign to our knowledge